The following is an entry in ClinVar:

ClinVar aggregate classification (germline): Likely pathogenic (1 of 4 stars; one submission).

Conditions:
Junctional epidermolysis bullosa gravis of Herlitz. Also called: EPIDERMOLYSIS BULLOSA JUNCTIONALIS, HERLITZ TYPE; EPIDERMOLYSIS BULLOSA, JUNCTIONAL, HERLITZ-PEARSON TYPE; JEB-HERLITZ TYPE; EPIDERMOLYSIS BULLOSA, JUNCTIONAL 1B, SEVERE; Epidermolysis Bullosa Letalis; Herlitz-type junctional epidermolysis bullosa. Identifiers: Orphanet 79404, MedGen C0079683, MONDO:0009182, OMIM 226700.

Submission:

Myriad Genetics, Inc.
Classification: Likely pathogenic for Junctional epidermolysis bullosa gravis of Herlitz. Last evaluated: 2022-01-23. Review status: criteria provided, single submitter. Criteria: Myriad Women's Health Autosomal Recessive and X-Linked Classification Criteria (2021). Collection method: clinical testing. Allele origin: unknown.
Comment: NM_005562.2(LAMC2):c.2578G>T(G860*) is expected to be pathogenic in the context of junctional epidermolysis bullosa, LAMC2-related. This variant is predicted to lead to an abnormal or absent protein product due to the creation of a premature termination codon in LAMC2, a gene where loss-of-function variants are known to be pathogenic. Please note: this variant was assessed in the context of healthy population screening.

NM_005562.3(LAMC2):c.2578G>T (p.Gly860Ter)

Gene: LAMC2 (laminin subunit gamma 2; plus strand). Cytogenetic location: 1q25.3.
Variant type: single nucleotide variant.
Coding change: c.2578G>T on transcript NM_005562.3 (MANE Select); coding-DNA position 2578, G replaced by T.
Protein change: p.Gly860Ter; replaces glycine 860 with a stop codon.
Molecular consequence: nonsense.
Genome position (GRCh38, 1-based): chr1:183,236,581, G>T. VCF-style: chr1-183236581-G-T. GRCh37 (hg19) VCF-style: chr1-183205716-G-T.
Other names: c.2578G>T, p.Gly860Ter (NM_018891.3); short protein forms G860*.
Identifiers: ClinVar variation 1724004 (VCV001724004.2), dbSNP rs2526113458, ClinGen allele CA343696848.